The following is an entry in ClinVar:

ClinVar aggregate classification (germline): Uncertain significance (1 of 4 stars; one submission).

Conditions:
Neurofibromatosis, type 2 (SWNV). Also called: SCHWANNOMATOSIS, VESTIBULAR; BILATERAL ACOUSTIC NEUROFIBROMATOSIS; NF2-Related Schwannomatosis. Identifiers: Orphanet 637, MedGen C0027832, MONDO:0007039, OMIM 101000. Disease mechanism: loss of function.

Submission:

Labcorp Genetics (formerly Invitae), Labcorp
Classification: Uncertain significance for Neurofibromatosis, type 2. Last evaluated: 2023-09-30. Review status: criteria provided, single submitter. Criteria: Invitae Variant Classification Sherloc (09022015). Collection method: clinical testing. Allele origin: unknown.
Comment: In summary, the available evidence is currently insufficient to determine the role of this variant in disease. Therefore, it has been classified as a Variant of Uncertain Significance. Experimental studies and prediction algorithms are not available or were not evaluated, and the functional significance of this variant is currently unknown. This variant has not been reported in the literature in individuals affected with NF2-related conditions. This variant results in a copy number gain of the genomic region encompassing exon(s) 2-3 of the NF2 gene. While the exact position of this variant cannot be determined from the data, sub-genic copy number gains are generally in tandem (PMID: 25640679). This variant is predicted to be in-frame, and likely preserves the integrity of the reading frame.

Literature cited by the submitters: PubMed 25640679.

NC_000022.10:g.(?_30032720)_(30035221_?)dup

Gene: NF2 (NF2, moesin-ezrin-radixin like (MERLIN) tumor suppressor; plus strand). Cytogenetic location: 22q12.2.
Variant type: Duplication.
Identifiers: ClinVar variation 3247204 (VCV003247204.1).